The following is an entry in ClinVar:

ClinVar aggregate classification (germline): Uncertain significance. Review status: criteria provided, multiple submitters, no conflicts (2 of 4 stars). 2 submissions from 2 submitters: Uncertain significance (2). Last evaluated 2022-05-21.

Conditions:
Autosomal recessive limb-girdle muscular dystrophy type 2P. Also called: MUSCULAR DYSTROPHY-DYSTROGLYCANOPATHY, LIMB-GIRDLE, DAG1-RELATED; Limb-Girdle Muscular Dystrophy Type 9C; MUSCULAR DYSTROPHY, LIMB-GIRDLE, TYPE 2P. Identifiers: Orphanet 280333, MedGen C4511963, MONDO:0013440, OMIM 613818.
Muscular dystrophy-dystroglycanopathy (congenital with brain and eye anomalies), type A9. Also called: WALKER-WARBURG SYNDROME OR MUSCLE-EYE BRAIN DISEASE, DAG1-RELATED; Muscular dystrophy-dystroglycanopathy (congenital with brain and eye anomalies), type a, 9. Identifiers: Orphanet 370997, Orphanet 899, MedGen C4225291, MONDO:0014683, OMIM 616538.

Allele frequency attached by ClinVar (database versions not stated): gnomAD exomes below 0.00001 and 0.00001; gnomAD 0.00002; TOPMed 0.00002.

Submissions (2):

Labcorp Genetics (formerly Invitae), Labcorp
Classification: Uncertain significance for Autosomal recessive limb-girdle muscular dystrophy type 2P; Muscular dystrophy-dystroglycanopathy (congenital with brain and eye anomalies), type A9. Last evaluated: 2022-05-21. Review status: criteria provided, single submitter. Criteria: Invitae Variant Classification Sherloc (09022015). Collection method: clinical testing. Allele origin: germline.
Comment: This sequence change replaces arginine, which is basic and polar, with tryptophan, which is neutral and slightly polar, at codon 371 of the DAG1 protein (p.Arg371Trp). This variant is present in population databases (rs62261248, gnomAD 0.003%). This variant has not been reported in the literature in individuals affected with DAG1-related conditions. ClinVar contains an entry for this variant (Variation ID: 861785). Algorithms developed to predict the effect of missense changes on protein structure and function are either unavailable or do not agree on the potential impact of this missense change (SIFT: "Deleterious"; PolyPhen-2: "Possibly Damaging"; Align-GVGD: "Class C0"). In summary, the available evidence is currently insufficient to determine the role of this variant in disease. Therefore, it has been classified as a Variant of Uncertain Significance.

Revvity Omics, Revvity
Classification: Uncertain significance. Last evaluated: 2022-03-08. Review status: criteria provided, single submitter. Criteria: ACMG Guidelines, 2015. Collection method: clinical testing. Allele origin: germline.

NM_004393.6(DAG1):c.1111C>T (p.Arg371Trp)

Gene: DAG1 (dystroglycan 1; plus strand). Cytogenetic location: 3p21.31.
Variant type: single nucleotide variant.
Coding change: c.1111C>T on transcript NM_004393.6 (MANE Select); coding-DNA position 1111, C replaced by T.
Protein change: p.Arg371Trp; replaces arginine 371 with tryptophan.
Molecular consequence: missense variant.
Genome position (GRCh38, 1-based): chr3:49,531,622, C>T. VCF-style: chr3-49531622-C-T. GRCh37 (hg19) VCF-style: chr3-49569055-C-T.
Other names: c.1111C>T, p.Arg371Trp (NM_001165928.4, NM_001177634.3, NM_001177635.3 and 9 more transcripts); short protein forms R371W.
Identifiers: ClinVar variation 861785 (VCV000861785.6), dbSNP rs62261248, ClinGen allele CA74522117.
Genomic context (GRCh38, chr3:49,531,622, plus strand): 5'-ACAGAGACCATGGCTCCTCCAGTCAGGGATCCTGTTCCTGGGAAACCCACGGTCACCATC[C>T]GGACTCGAGGCGCCATTATTCAAACCCCAACCCTAGGCCCCATCCAGCCTACTCGGGTGT-3'
Protein context (NP_004384.5, residues 361-381): PVPGKPTVTI[Arg371Trp]TRGAIIQTPT